The following is an entry in ClinVar:

NM_000612.6(IGF2):c.518C>G (p.Pro173Arg)

Genes: IGF2 (insulin like growth factor 2; minus strand), INS-IGF2 (INS-IGF2 readthrough; minus strand). Cytogenetic location: 11p15.5.
Variant type: single nucleotide variant.
Coding change: c.518C>G on transcript NM_000612.6 (MANE Select); coding-DNA position 518, C replaced by G.
Protein change: p.Pro173Arg; replaces proline 173 with arginine.
Molecular consequence: missense variant. On other transcripts: non-coding transcript variant (1).
Genome position (GRCh38, 1-based): chr11:2,133,012, G>C on the plus strand (C>G on the coding strand, the complement: IGF2 is on the minus strand). VCF-style: chr11-2133012-G-C. GRCh37 (hg19) VCF-style: chr11-2154242-G-C.
Other names: c.518C>G, p.Pro173Arg (NM_001291861.3, NM_001291862.3, NM_001007139.6); c.686C>G, p.Pro229Arg (NM_001127598.3); short protein forms P173R, P229R.
Identifiers: ClinVar variation 3626060 (VCV003626060.2).

ClinVar aggregate classification (germline): Uncertain significance (1 of 4 stars; one submission).

Submission:

Labcorp Genetics (formerly Invitae), Labcorp
Classification: Uncertain significance. Last evaluated: 2024-10-23. Review status: criteria provided, single submitter. Criteria: Invitae Variant Classification Sherloc (09022015). Collection method: clinical testing. Allele origin: germline.
Comment: This sequence change replaces proline, which is neutral and non-polar, with arginine, which is basic and polar, at codon 173 of the IGF2 protein (p.Pro173Arg). This variant is present in population databases (rs1050342, gnomAD 0.009%). This variant has not been reported in the literature in individuals affected with IGF2-related conditions. An algorithm developed to predict the effect of missense changes on protein structure and function (PolyPhen-2) suggests that this variant is likely to be tolerated. In summary, the available evidence is currently insufficient to determine the role of this variant in disease. Therefore, it has been classified as a Variant of Uncertain Significance.